The following is an entry in ClinVar:

NM_025152.3(NUBPL):c.836A>C (p.Asn279Thr)

Gene: NUBPL (NUBP iron-sulfur cluster assembly factor, mitochondrial; plus strand). Cytogenetic location: 14q12.
Variant type: single nucleotide variant.
Coding change: c.836A>C on transcript NM_025152.3 (MANE Select); coding-DNA position 836, A replaced by C.
Protein change: p.Asn279Thr; replaces asparagine 279 with threonine.
Molecular consequence: missense variant. On other transcripts: non-coding transcript variant (1).
Genome position (GRCh38, 1-based): chr14:31,850,140, A>C. VCF-style: chr14-31850140-A-C. GRCh37 (hg19) VCF-style: chr14-32319346-A-C.
Other names: c.548A>C, p.Asn183Thr (NM_001201573.2); c.287A>C, p.Asn96Thr (NM_001201574.2); short protein forms N183T, N96T, N279T.
Identifiers: ClinVar variation 4704868 (VCV004704868.1).

ClinVar aggregate classification (germline): Uncertain significance (1 of 4 stars; one submission).

gnomAD v4.1: 19 of 1,613,530 alleles (0.0012%); highest among the groups gnomAD compares: Non-Finnish European, 0.0015%; no homozygotes.

Submission:

Labcorp Genetics (formerly Invitae), Labcorp
Classification: Uncertain significance. Last evaluated: 2025-06-20. Review status: criteria provided, single submitter. Criteria: Invitae Variant Classification Sherloc (09022015). Collection method: clinical testing. Allele origin: germline.
Comment: This sequence change replaces asparagine, which is neutral and polar, with threonine, which is neutral and polar, at codon 279 of the NUBPL protein (p.Asn279Thr). This variant is present in population databases (rs767063662, gnomAD 0.002%). This variant has not been reported in the literature in individuals affected with NUBPL-related conditions. Invitae Evidence Modeling of protein sequence and biophysical properties (such as structural, functional, and spatial information, amino acid conservation, physicochemical variation, residue mobility, and thermodynamic stability) indicates that this missense variant is not expected to disrupt NUBPL protein function with a negative predictive value of 80%. In summary, the available evidence is currently insufficient to determine the role of this variant in disease. Therefore, it has been classified as a Variant of Uncertain Significance.